The following is an entry in ClinVar:

NM_000629.3(IFNAR1):c.115G>A (p.Asp39Asn)

Gene: IFNAR1 (interferon alpha and beta receptor subunit 1; plus strand). Cytogenetic location: 21q22.11.
Variant type: single nucleotide variant.
Coding change: c.115G>A on transcript NM_000629.3 (MANE Select); coding-DNA position 115, G replaced by A.
Protein change: p.Asp39Asn; replaces aspartic acid 39 with asparagine.
Molecular consequence: missense variant. On other transcripts: 5 prime UTR variant (3).
Genome position (GRCh38, 1-based): chr21:33,335,562, G>A. VCF-style: chr21-33335562-G-A. GRCh37 (hg19) VCF-style: chr21-34707868-G-A.
Other names: c.115G>A, p.Asp39Asn (NM_001384498.1, NM_001384499.1, NM_001384501.1 and 1 more transcripts); c.-672G>A (NM_001384500.1); c.-269G>A (NM_001384502.1); c.-93G>A (NM_001384504.1); c.115G>A (NM_000629.2); short protein forms D39N.
Identifiers: ClinVar variation 1006414 (VCV001006414.28), dbSNP rs148989381, ClinGen allele CA10006393.

ClinVar aggregate classification (germline): Conflicting classifications of pathogenicity. Review status: criteria provided, conflicting classifications (1 of 4 stars). 5 submissions from 5 submitters: Uncertain significance (3); Likely benign (1). 1 of the submissions does not count toward it. Last evaluated 2025-11-04.

Conditions:
IFNAR1-related disorder. Also called: IFNAR1-related condition.

Allele frequency attached by ClinVar (database versions not stated): gnomAD exomes 0.00009 and 0.00015; ExAC 0.00015; 1000 Genomes Project 30x 0.00016; 1000 Genomes Project 0.00020; ESP Exome Variant Server 0.00031; gnomAD 0.00064 and 0.00071; TOPMed 0.00072.
gnomAD v4.1: 232 of 1,605,154 alleles (0.014%); highest among the groups gnomAD compares: African/African-American, 0.25%; no homozygotes.

Submissions (5):

Labcorp Genetics (formerly Invitae), Labcorp
Classification: Uncertain significance. Last evaluated: 2025-11-04. Review status: criteria provided, single submitter. Criteria: Invitae Variant Classification Sherloc (09022015). Collection method: clinical testing. Allele origin: germline.
Comment: This sequence change replaces aspartic acid, which is acidic and polar, with asparagine, which is neutral and polar, at codon 39 of the IFNAR1 protein (p.Asp39Asn). This variant is present in population databases (rs148989381, gnomAD 0.2%). This variant has not been reported in the literature in individuals affected with IFNAR1-related conditions. ClinVar contains an entry for this variant (Variation ID: 1006414). An algorithm developed to predict the effect of missense changes on protein structure and function (PolyPhen-2) suggests that this variant is likely to be tolerated. In summary, the available evidence is currently insufficient to determine the role of this variant in disease. Therefore, it has been classified as a Variant of Uncertain Significance.

Ambry Genetics
Classification: Uncertain significance. Last evaluated: 2025-03-08. Review status: criteria provided, single submitter. Criteria: Ambry Variant Classification Scheme 2023. Collection method: clinical testing. Allele origin: germline.

CeGaT Center for Human Genetics Tuebingen
Classification: Likely benign. Last evaluated: 2024-05-01. Review status: criteria provided, single submitter. Criteria: CeGaT Center For Human Genetics Tuebingen Variant Classification Criteria Version 2. Collection method: clinical testing. Allele origin: germline. Affected: yes. Observed: 1 variant allele.
Comment: IFNAR1: BP4, BS1:Supporting

Breakthrough Genomics
Classification: Uncertain significance. Review status: criteria provided, single submitter. Criteria: ACMG Guidelines, 2015. Collection method: not provided. Allele origin: germline. Inheritance: Autosomal dominant inheritance. Affected: yes.

PreventionGenetics, part of Exact Sciences
Classification: Likely benign for IFNAR1-related condition. Last evaluated: 2023-02-28. Review status: no assertion criteria provided. Collection method: clinical testing. Allele origin: germline. Not counted in ClinVar's aggregate classification.
Comment: This variant is classified as likely benign based on ACMG/AMP sequence variant interpretation guidelines (Richards et al. 2015 PMID: 25741868, with internal and published modifications).